The following is an entry in ClinVar:

ClinVar aggregate classification (germline): Uncertain significance (1 of 4 stars; one submission).

Conditions:
Baller-Gerold syndrome (BGS). Also called: CRANIOSYNOSTOSIS WITH RADIAL DEFECTS. Identifiers: Orphanet 1225, MedGen C0265308, MONDO:0009039, OMIM 218600.

gnomAD v4.1: 1 of 1,609,744 alleles (0.000062%); no homozygotes.

Submission:

Labcorp Genetics (formerly Invitae), Labcorp
Classification: Uncertain significance for Baller-Gerold syndrome. Last evaluated: 2022-02-27. Review status: criteria provided, single submitter. Criteria: Invitae Variant Classification Sherloc (09022015). Collection method: clinical testing. Allele origin: germline.
Comment: This sequence change replaces glutamine, which is neutral and polar, with glutamic acid, which is acidic and polar, at codon 118 of the RECQL4 protein (p.Gln118Glu). In summary, the available evidence is currently insufficient to determine the role of this variant in disease. Therefore, it has been classified as a Variant of Uncertain Significance. Experimental studies and prediction algorithms are not available or were not evaluated, and the functional significance of this variant is currently unknown. This variant has not been reported in the literature in individuals affected with RECQL4-related conditions. This variant is not present in population databases (gnomAD no frequency).

NM_004260.4(RECQL4):c.352C>G (p.Gln118Glu)

Gene: RECQL4 (RecQ like helicase 4; minus strand). Cytogenetic location: 8q24.3.
Variant type: single nucleotide variant.
Coding change: c.352C>G on transcript NM_004260.4 (MANE Select); coding-DNA position 352, C replaced by G.
Protein change: p.Gln118Glu; replaces glutamine 118 with glutamic acid.
Molecular consequence: missense variant.
Genome position (GRCh38, 1-based): chr8:144,517,052, G>C on the plus strand (C>G on the coding strand, the complement: RECQL4 is on the minus strand). VCF-style: chr8-144517052-G-C. GRCh37 (hg19) VCF-style: chr8-145742436-G-C.
Other names: c.352C>G, p.Gln118Glu (NM_001413017.1, NM_001413018.1, NM_001413019.1 and 5 more transcripts); c.-369C>G (NM_001413021.1); c.-720C>G (NM_001413022.1, NM_001413023.1, NM_001413037.1 and 3 more transcripts); c.-617C>G (NM_001413024.1, NM_001413035.1); c.223C>G, p.Gln75Glu (NM_001413025.1); c.-782C>G (NM_001413027.1, NM_001413030.1, NM_001413031.1 and 1 more transcripts); c.-445C>G (NM_001413028.1); c.-679C>G (NM_001413032.1); and 2 more; short protein forms Q75E, Q118E.
Identifiers: ClinVar variation 2193099 (VCV002193099.4), dbSNP rs2130734450, ClinGen allele CA372691878.